The following is an entry in ClinVar:

NM_001365276.2(TNXB):c.2164G>T (p.Asp722Tyr)

Gene: TNXB (tenascin XB; minus strand). Cytogenetic location: 6p21.33.
Variant type: single nucleotide variant.
Coding change: c.2164G>T on transcript NM_001365276.2 (MANE Select); coding-DNA position 2164, G replaced by T.
Protein change: p.Asp722Tyr; replaces aspartic acid 722 with tyrosine.
Molecular consequence: missense variant.
Genome position (GRCh38, 1-based): chr6:32,095,689, C>A on the plus strand (G>T on the coding strand, the complement: TNXB is on the minus strand). VCF-style: chr6-32095689-C-A. GRCh37 (hg19) VCF-style: chr6-32063466-C-A.
Other names: c.2164G>T, p.Asp722Tyr (NM_019105.8); short protein forms D722Y.
Identifiers: ClinVar variation 1306588 (VCV001306588.2), dbSNP rs2127286402, ClinGen allele CA363471575.

ClinVar aggregate classification (germline): Uncertain significance (1 of 4 stars; one submission).

Allele frequency attached by ClinVar (database versions not stated): gnomAD exomes below 0.00001.
gnomAD v4.1: 4 of 1,614,058 alleles (0.00025%); highest among the groups gnomAD compares: Non-Finnish European, 0.00034%; no homozygotes.

Submission:

GeneDx
Classification: Uncertain significance. Last evaluated: 2019-01-24. Review status: criteria provided, single submitter. Criteria: GeneDx Variant Classification Process June 2021. Collection method: clinical testing. Allele origin: germline. Affected: yes.
Comment: Has not been previously published as pathogenic or benign to our knowledge; Not observed in large population cohorts (Lek et al., 2016); In silico analysis, which includes protein predictors and evolutionary conservation, supports a deleterious effect